The following is an entry in ClinVar:

NM_000051.4(ATM):c.1063C>T (p.Gln355Ter)

Gene: ATM (ATM serine/threonine kinase; plus strand). Cytogenetic location: 11q22.3.
Variant type: single nucleotide variant.
Coding change: c.1063C>T on transcript NM_000051.4 (MANE Select); coding-DNA position 1063, C replaced by T.
Protein change: p.Gln355Ter; replaces glutamine 355 with a stop codon.
Molecular consequence: nonsense.
Genome position (GRCh38, 1-based): chr11:108,247,125, C>T. VCF-style: chr11-108247125-C-T. GRCh37 (hg19) VCF-style: chr11-108117852-C-T.
Other names: c.1063C>T, p.Gln355Ter (NM_001351834.2); short protein forms Q355*.
Identifiers: ClinVar variation 485196 (VCV000485196.13), dbSNP rs1555068615, ClinGen allele CA382531853.

ClinVar aggregate classification (germline): Pathogenic. Review status: criteria provided, multiple submitters, no conflicts (2 of 4 stars). 3 submissions from 3 submitters: Pathogenic (3). Last evaluated 2025-06-22.

Conditions:
Hereditary cancer-predisposing syndrome. Also called: Hereditary neoplastic syndrome; Neoplastic Syndromes, Hereditary; Tumor predisposition; Hereditary Cancer Syndrome. Identifiers: Orphanet 140162, MedGen C0027672, MeSH D009386, MONDO:0015356.
Familial cancer of breast. Also called: BREAST CANCER, FAMILIAL; Hereditary breast cancer; hereditary breast carcinoma. Identifiers: Orphanet 227535, MedGen C0346153, MONDO:0016419, OMIM 114480. Disease mechanism: loss of function.
Ataxia-telangiectasia syndrome (AT). Also called: LOUIS-BAR SYNDROME; Cerebello-oculocutaneous telangiectasia; Immunodeficiency with ataxia telangiectasia; AT, COMPLEMENTATION GROUP C; Ataxia-telangiectasia, complementation group D; ATAXIA-TELANGIECTASIA, COMPLEMENTATION GROUP A. Identifiers: Orphanet 100, MedGen C0004135, MONDO:0008840, OMIM 208900.

Submissions (3):

Labcorp Genetics (formerly Invitae), Labcorp
Classification: Pathogenic for Ataxia-telangiectasia syndrome. Last evaluated: 2025-06-22. Review status: criteria provided, single submitter. Criteria: Invitae Variant Classification Sherloc (09022015). Collection method: clinical testing. Allele origin: germline.
Comment: This sequence change creates a premature translational stop signal (p.Gln355*) in the ATM gene. It is expected to result in an absent or disrupted protein product. Loss-of-function variants in ATM are known to be pathogenic (PMID: 23807571, 25614872). This variant is not present in population databases (gnomAD no frequency). This variant has not been reported in the literature in individuals affected with ATM-related conditions. ClinVar contains an entry for this variant (Variation ID: 485196). Algorithms developed to predict the effect of sequence changes on RNA splicing suggest that this variant may disrupt the consensus splice site. For these reasons, this variant has been classified as Pathogenic.

Myriad Genetics, Inc.
Classification: Pathogenic for Familial cancer of breast. Last evaluated: 2024-01-11. Review status: criteria provided, single submitter. Criteria: Myriad Autosomal Dominant, Autosomal Recessive and X-Linked Classification Criteria (2023). Collection method: clinical testing. Allele origin: unknown.
Comment: This variant is considered pathogenic. This variant creates a termination codon and is predicted to result in premature protein truncation.

Ambry Genetics
Classification: Pathogenic for Hereditary cancer-predisposing syndrome. Last evaluated: 2023-05-23. Review status: criteria provided, single submitter. Criteria: Ambry Variant Classification Scheme 2023. Collection method: clinical testing. Allele origin: germline.
Comment: The p.Q355* pathogenic mutation (also known as c.1063C>T), located in coding exon 7 of the ATM gene, results from a C to T substitution at nucleotide position 1063. This changes the amino acid from a glutamine to a stop codon within coding exon 7. This variant is considered to be rare based on population cohorts in the Genome Aggregation Database (gnomAD). This alteration is expected to result in loss of function by premature protein truncation or nonsense-mediated mRNA decay. As such, this alteration is interpreted as a disease-causing mutation.

Literature cited by the submitters: PubMed 23807571 (cited by Labcorp Genetics (formerly Invitae), Labcorp); PubMed 25614872 (cited by Labcorp Genetics (formerly Invitae), Labcorp).